The following is an entry in ClinVar:

ClinVar aggregate classification (germline): Benign/Likely benign. Review status: criteria provided, multiple submitters, no conflicts (2 of 4 stars). 3 submissions from 3 submitters: Benign (1); Likely benign (1). 1 of the submissions does not count toward it. Last evaluated 2026-01-13.

Conditions:
DNAH9-related disorder. Also called: DNAH9-related condition.

Allele frequency attached by ClinVar (database versions not stated): TOPMed 0.00005; gnomAD 0.00024; gnomAD exomes 0.00035; 1000 Genomes Project 30x 0.00187; 1000 Genomes Project 0.00200; ExAC 0.00661.
gnomAD v4.1: 454 of 1,343,558 alleles (0.034%); highest among the groups gnomAD compares: South Asian, 0.68%; 6 homozygotes.

Submissions (3):

Labcorp Genetics (formerly Invitae), Labcorp
Classification: Benign. Last evaluated: 2026-01-13. Review status: criteria provided, single submitter. Criteria: Invitae Variant Classification Sherloc (09022015). Collection method: clinical testing. Allele origin: germline.

Blueprint Genetics
Classification: Likely benign. Last evaluated: 2024-11-11. Review status: criteria provided, single submitter. Criteria: ACMG Guidelines, 2015. Collection method: clinical testing. Allele origin: germline.

PreventionGenetics, part of Exact Sciences
Classification: Likely benign for DNAH9-related condition. Last evaluated: 2019-11-16. Review status: no assertion criteria provided. Collection method: clinical testing. Allele origin: germline. Not counted in ClinVar's aggregate classification.
Comment: This variant is classified as likely benign based on ACMG/AMP sequence variant interpretation guidelines (Richards et al. 2015 PMID: 25741868, with internal and published modifications).

NM_001372.4(DNAH9):c.69A>C (p.Arg23=)

Gene: DNAH9 (dynein axonemal heavy chain 9; plus strand). Cytogenetic location: 17p12.
Variant type: single nucleotide variant.
Coding change: c.69A>C on transcript NM_001372.4 (MANE Select); coding-DNA position 69, A replaced by C.
Protein change: p.Arg23=; no amino-acid change (arginine 23 retained).
Molecular consequence: synonymous variant.
Genome position (GRCh38, 1-based): chr17:11,598,567, A>C. VCF-style: chr17-11598567-A-C. GRCh37 (hg19) VCF-style: chr17-11501884-A-C.
Other names: c.69A>C (NM_001372.3).
Identifiers: ClinVar variation 2057919 (VCV002057919.7), dbSNP rs538221390, ClinGen allele CA8394452.